The following is an entry in ClinVar:

NM_020911.2(PLXNA4):c.4745A>C (p.Asn1582Thr)

Gene: PLXNA4 (plexin A4; minus strand). Cytogenetic location: 7q32.3.
Variant type: single nucleotide variant.
Coding change: c.4745A>C on transcript NM_020911.2 (MANE Select); coding-DNA position 4745, A replaced by C.
Protein change: p.Asn1582Thr; replaces asparagine 1582 with threonine.
Molecular consequence: missense variant.
Genome position (GRCh38, 1-based): chr7:132,148,562, T>G on the plus strand (A>C on the coding strand, the complement: PLXNA4 is on the minus strand). VCF-style: chr7-132148562-T-G. GRCh37 (hg19) VCF-style: chr7-131833321-T-G.
Other names: c.4745A>C, p.Asn1582Thr (NM_001393897.1); short protein forms N1582T.
Identifiers: ClinVar variation 4999438 (VCV004999438.1).

ClinVar aggregate classification (germline): Uncertain significance (1 of 4 stars; one submission).

Conditions:
PLXNA4-related disorder. Also called: PLXNA4-related condition.

Submission:

PreventionGenetics, part of Exact Sciences
Classification: Uncertain significance for PLXNA4-related condition. Last evaluated: 2026-05-26. Review status: criteria provided, single submitter. Criteria: ACMG Guidelines, 2015. Collection method: clinical testing. Allele origin: germline.
Comment: The PLXNA4 c.4745A>C variant is predicted to result in the amino acid substitution p.Asn1582Thr. To our knowledge, this variant has not been reported in the literature or in a large population database (gnomAD), indicating this variant is rare. At this time, the clinical significance of this variant is uncertain due to the absence of conclusive functional and genetic evidence.